The following is an entry in ClinVar:

ClinVar aggregate classification (germline): Uncertain significance (1 of 4 stars; one submission).

Submission:

Labcorp Genetics (formerly Invitae), Labcorp
Classification: Uncertain significance. Last evaluated: 2023-08-10. Review status: criteria provided, single submitter. Criteria: Invitae Variant Classification Sherloc (09022015). Collection method: clinical testing. Allele origin: germline.
Comment: Advanced modeling of protein sequence and biophysical properties (such as structural, functional, and spatial information, amino acid conservation, physicochemical variation, residue mobility, and thermodynamic stability) has been performed at Invitae for this missense variant, however the output from this modeling did not meet the statistical confidence thresholds required to predict the impact of this variant on USH2A protein function. ClinVar contains an entry for this variant (Variation ID: 1719230). This variant has not been reported in the literature in individuals affected with USH2A-related conditions. This variant is not present in population databases (gnomAD no frequency). This sequence change replaces threonine, which is neutral and polar, with proline, which is neutral and non-polar, at codon 4319 of the USH2A protein (p.Thr4319Pro). In summary, the available evidence is currently insufficient to determine the role of this variant in disease. Therefore, it has been classified as a Variant of Uncertain Significance.

NM_206933.4(USH2A):c.12955A>C (p.Thr4319Pro)

Gene: USH2A (usherin; minus strand). Cytogenetic location: 1q41.
Variant type: single nucleotide variant.
Coding change: c.12955A>C on transcript NM_206933.4 (MANE Select); coding-DNA position 12955, A replaced by C.
Protein change: p.Thr4319Pro; replaces threonine 4319 with proline.
Molecular consequence: missense variant.
Genome position (GRCh38, 1-based): chr1:215,674,956, T>G on the plus strand (A>C on the coding strand, the complement: USH2A is on the minus strand). VCF-style: chr1-215674956-T-G. GRCh37 (hg19) VCF-style: chr1-215848298-T-G.
Other names: short protein forms T4319P.
Identifiers: ClinVar variation 1719230 (VCV001719230.5), dbSNP rs2464897740, ClinGen allele CA344848077.